The following is an entry in ClinVar:

NM_000130.5(F5):c.5343C>G (p.Ser1781Arg)

Gene: F5 (coagulation factor V; minus strand). Cytogenetic location: 1q24.2.
Variant type: single nucleotide variant.
Coding change: c.5343C>G on transcript NM_000130.5 (MANE Select); coding-DNA position 5343, C replaced by G.
Protein change: p.Ser1781Arg; replaces serine 1781 with arginine.
Molecular consequence: missense variant.
Genome position (GRCh38, 1-based): chr1:169,529,684, G>C on the plus strand (C>G on the coding strand, the complement: F5 is on the minus strand). VCF-style: chr1-169529684-G-C. GRCh37 (hg19) VCF-style: chr1-169498922-G-C.
Other names: short protein forms S1781R.
Identifiers: ClinVar variation 3907567 (VCV003907567.1).

ClinVar aggregate classification (germline): Uncertain significance (1 of 4 stars; one submission).

Submission:

Women's Health and Genetics/Laboratory Corporation of America, LabCorp
Classification: Uncertain significance. Last evaluated: 2025-06-23. Review status: criteria provided, single submitter. Criteria: LabCorp Variant Classification Summary - May 2015. Collection method: clinical testing. Allele origin: germline.
Comment: Variant summary: F5 c.5343C>G (p.Ser1781Arg) results in a non-conservative amino acid change in the encoded protein sequence. Algorithms developed to predict the effect of missense changes on protein structure and function all suggest that this variant is likely to be disruptive. The variant was absent in 251070 control chromosomes. The available data on variant occurrences in the general population are insufficient to allow any conclusion about variant significance. c.5343C>G has been observed in individual(s) affected with Thrombophilia, factor V Leiden (Luo_2020, Zhang_2023). These data do not allow any conclusion about variant significance. To our knowledge, no experimental evidence demonstrating an impact on protein function has been reported. The following publications have been ascertained in the context of this evaluation (PMID: 32833806, 37714176). No submitters have cited clinical-significance assessments for this variant to ClinVar. Based on the evidence outlined above, the variant was classified as uncertain significance.

Literature cited by the submitters: PubMed 32833806; PubMed 37714176.